The following is an entry in ClinVar:

ClinVar aggregate classification (germline): Uncertain significance (1 of 4 stars; one submission).

gnomAD v4.1: 14 of 1,613,304 alleles (0.00087%); highest among the groups gnomAD compares: Non-Finnish European, 0.00059%; no homozygotes.

Submission:

Labcorp Genetics (formerly Invitae), Labcorp
Classification: Uncertain significance. Last evaluated: 2024-09-04. Review status: criteria provided, single submitter. Criteria: Invitae Variant Classification Sherloc (09022015). Collection method: clinical testing. Allele origin: germline.
Comment: This sequence change replaces arginine, which is basic and polar, with glutamine, which is neutral and polar, at codon 64 of the KIF23 protein (p.Arg64Gln). This variant is present in population databases (rs757158186, gnomAD 0.03%). This variant has not been reported in the literature in individuals affected with KIF23-related conditions. An algorithm developed to predict the effect of missense changes on protein structure and function (PolyPhen-2) suggests that this variant is likely to be disruptive. In summary, the available evidence is currently insufficient to determine the role of this variant in disease. Therefore, it has been classified as a Variant of Uncertain Significance.

NM_001367805.3(KIF23):c.191G>A (p.Arg64Gln)

Gene: KIF23 (kinesin family member 23; plus strand). Cytogenetic location: 15q23.
Variant type: single nucleotide variant.
Coding change: c.191G>A on transcript NM_001367805.3 (MANE Select); coding-DNA position 191, G replaced by A.
Protein change: p.Arg64Gln; replaces arginine 64 with glutamine.
Molecular consequence: missense variant. On other transcripts: 5 prime UTR variant (1), non-coding transcript variant (2).
Genome position (GRCh38, 1-based): chr15:69,417,492, G>A. VCF-style: chr15-69417492-G-A. GRCh37 (hg19) VCF-style: chr15-69709831-G-A.
Other names: c.-3G>A (NM_001281301.2); c.191G>A, p.Arg64Gln (NM_001367804.2, NM_004856.7, NM_138555.4); short protein forms R64Q.
Identifiers: ClinVar variation 3717726 (VCV003717726.2).